The following is an entry in ClinVar:

ClinVar aggregate classification (germline): Pathogenic (1 of 4 stars; one submission).

Conditions:
Neurofibromatosis, type 1 (NF1). Also called: NEUROFIBROMATOSIS, TYPE I, SOMATIC; VON RECKLINGHAUSEN DISEASE; Peripheral type neurofibromatosis; Neurofibromatosis, type I. Identifiers: Orphanet 636, MedGen C0027831, MONDO:0018975, OMIM 162200. Disease mechanism: loss of function.

Submission:

Labcorp Genetics (formerly Invitae), Labcorp
Classification: Pathogenic for Neurofibromatosis, type 1. Last evaluated: 2024-02-23. Review status: criteria provided, single submitter. Criteria: Invitae Variant Classification Sherloc (09022015). Collection method: clinical testing. Allele origin: germline.
Comment: This sequence change creates a premature translational stop signal (p.Met538Ilefs*20) in the NF1 gene. It is expected to result in an absent or disrupted protein product. Loss-of-function variants in NF1 are known to be pathogenic (PMID: 10712197, 23913538). This variant is not present in population databases (gnomAD no frequency). This variant has not been reported in the literature in individuals affected with NF1-related conditions. ClinVar contains an entry for this variant (Variation ID: 2057354). For these reasons, this variant has been classified as Pathogenic.

Literature cited by the submitters: PubMed 10712197; PubMed 23913538.

NM_001042492.3(NF1):c.1613dup (p.Met538fs)

Gene: NF1 (neurofibromin 1; plus strand). Cytogenetic location: 17q11.2.
Variant type: Duplication.
Coding change: c.1613dup on transcript NM_001042492.3 (MANE Select); coding-DNA position 1613, one base duplicated (T; older notation c.1613dupT).
Protein change: p.Met538fs; shifts the reading frame from methionine 538.
Molecular consequence: frameshift variant.
Genome position (GRCh38, 1-based): chr17:31,219,090, T duplicated. VCF-style (leftmost placement, unchanged base first): chr17-31219089-A-AT. GRCh37 (hg19) VCF-style: chr17-29546107-A-AT.
Other names: c.1613dup, p.Met538Ilefs (NM_000267.4); c.1613dup, p.Met538fs (NM_001128147.3); short protein forms M538fs.
Identifiers: ClinVar variation 2057354 (VCV002057354.4), dbSNP rs2544840841, ClinGen allele CA2580092895.